The following is an entry in ClinVar:

NM_000548.5(TSC2):c.3581G>A (p.Trp1194Ter)

Gene: TSC2 (TSC complex subunit 2; plus strand). Cytogenetic location: 16p13.3.
Variant type: single nucleotide variant.
Coding change: c.3581G>A on transcript NM_000548.5 (MANE Select); coding-DNA position 3581, G replaced by A.
Protein change: p.Trp1194Ter; replaces tryptophan 1194 with a stop codon.
Molecular consequence: nonsense.
Genome position (GRCh38, 1-based): chr16:2,080,348, G>A. VCF-style: chr16-2080348-G-A. GRCh37 (hg19) VCF-style: chr16-2130349-G-A.
Other names: c.3449G>A, p.Trp1150Ter (NM_001077183.3, NM_001370404.1); c.3581G>A, p.Trp1194Ter (NM_001114382.3); c.3341G>A, p.Trp1114Ter (NM_001318827.2); c.3305G>A, p.Trp1102Ter (NM_001318829.2); c.2849G>A, p.Trp950Ter (NM_001318831.2); c.3482G>A, p.Trp1161Ter (NM_001318832.2); c.3452G>A, p.Trp1151Ter (NM_001363528.2, NM_001370405.1, NM_021055.3); short protein forms W1194*, W1102*, W950*, W1114*, W1150*, W1151*, W1161*.
Identifiers: ClinVar variation 65230 (VCV000065230.6), dbSNP rs397515168, ClinGen allele CA019307.

ClinVar aggregate classification (germline): Pathogenic. Review status: criteria provided, multiple submitters, no conflicts (2 of 4 stars). 3 submissions from 3 submitters: Pathogenic (2). 1 of the submissions does not count toward it. Last evaluated 2025-03-26.

Conditions:
Tuberous sclerosis syndrome (TSC). Also called: Tuberous Sclerosis Complex; Tuberous sclerosis. Identifiers: Orphanet 805, MedGen C0041341, MONDO:0001734.
Tuberous sclerosis 2 (TSC2). Identifiers: Orphanet 805, MedGen C1860707, MONDO:0013199, OMIM 613254.

Submissions (3):

ARUP Laboratories, Molecular Genetics and Genomics, ARUP Laboratories
Classification: Pathogenic. Last evaluated: 2025-03-26. Review status: criteria provided, single submitter. Criteria: ARUP Molecular Germline Variant Investigation Process 2024. Collection method: clinical testing. Allele origin: germline.
Comment: The TSC2 c.3581G>A; p.Trp1194Ter variant (rs397515168, ClinVar Variation ID: 65230) is reported in the literature in multiple individuals and families affected with tuberous sclerosis (Ismail 2017, Wang 2022). This variant is absent from the Genome Aggregation Database (v2.1.1), indicating it is not a common polymorphism. This variant induces an early termination codon and is predicted to result in a truncated protein or mRNA subject to nonsense-mediated decay. Based on available information, this variant is considered to be pathogenic. References: Ismail NF et al. Combination of Multiple Ligation-Dependent Probe Amplification and Illumina MiSeq Amplicon Sequencing for TSC1/TSC2 Gene Analyses in Patients with Tuberous Sclerosis Complex. J Mol Diagn. 2017 Mar;19(2):265-276. PMID: 28087349. Wang X et al. Analysis of Clinical Features and Next-Generation Sequencing of 12 Tuberous Sclerosis Families in China. Front Med (Lausanne). 2022 May 27;9:840709. PMID: 35712104.

Labcorp Genetics (formerly Invitae), Labcorp
Classification: Pathogenic for Tuberous sclerosis 2. Last evaluated: 2024-12-18. Review status: criteria provided, single submitter. Criteria: Invitae Variant Classification Sherloc (09022015). Collection method: clinical testing. Allele origin: germline.
Comment: This sequence change creates a premature translational stop signal (p.Trp1194*) in the TSC2 gene. It is expected to result in an absent or disrupted protein product. Loss-of-function variants in TSC2 are known to be pathogenic (PMID: 10205261, 17304050). This variant is not present in population databases (gnomAD no frequency). This premature translational stop signal has been observed in individual(s) with clinical features of tuberous sclerosis complex (PMID: 28087349). ClinVar contains an entry for this variant (Variation ID: 65230). For these reasons, this variant has been classified as Pathogenic.

Tuberous sclerosis database (TSC2)
No classification provided. Condition: TSC. Review status: no classification provided. Criteria: Tuberous Sclerosis Database Assertion Criteria 2015. Collection method: curation. Allele origin: germline. Affected: yes. Not counted in ClinVar's aggregate classification.

Literature cited by the submitters: PubMed 10205261 (cited by Labcorp Genetics (formerly Invitae), Labcorp); PubMed 17304050 (cited by Labcorp Genetics (formerly Invitae), Labcorp); PubMed 28087349 (cited by Labcorp Genetics (formerly Invitae), Labcorp).